The following is an entry in ClinVar:

NM_005609.4(PYGM):c.1366G>A (p.Val456Met)

Gene: PYGM (glycogen phosphorylase, muscle associated; minus strand). Cytogenetic location: 11q13.1.
Variant type: single nucleotide variant.
Coding change: c.1366G>A on transcript NM_005609.4 (MANE Select); coding-DNA position 1366, G replaced by A.
Protein change: p.Val456Met; replaces valine 456 with methionine.
Molecular consequence: missense variant.
Genome position (GRCh38, 1-based): chr11:64,753,556, C>T on the plus strand (G>A on the coding strand, the complement: PYGM is on the minus strand). VCF-style: chr11-64753556-C-T. GRCh37 (hg19) VCF-style: chr11-64521028-C-T.
Other names: c.1102G>A, p.Val368Met (NM_001164716.1); c.1366G>A (NM_005609.3); short protein forms V456M, V368M.
Identifiers: ClinVar variation 95290 (VCV000095290.22), dbSNP rs398124208, ClinGen allele CA222880.

ClinVar aggregate classification (germline): Pathogenic/Likely pathogenic. Review status: criteria provided, multiple submitters, no conflicts (2 of 4 stars). 9 submissions from 9 submitters: Pathogenic (4); Likely pathogenic (4). 1 of the submissions does not count toward it. Last evaluated 2026-03-16.

Conditions:
Glycogen storage disease, type V (GSD5). Also called: MUSCLE GLYCOGEN PHOSPHORYLASE DEFICIENCY; MYOPHOSPHORYLASE DEFICIENCY; PYGM DEFICIENCY; McArdle type glycogen storage disease; MCARDLE DISEASE. Identifiers: Orphanet 368, MedGen C0017924, MONDO:0009293, OMIM 232600.

Allele frequency attached by ClinVar (database versions not stated): gnomAD 0.00002 and 0.00003; TOPMed 0.00002; ExAC 0.00002.
gnomAD v4.1: 11 of 1,600,282 alleles (0.00069%); highest among the groups gnomAD compares: Middle Eastern, 0.016%; no homozygotes.

Submissions (9):

Myriad Genetics, Inc.
Classification: Likely pathogenic for Glycogen storage disease, type V. Last evaluated: 2026-03-16. Review status: criteria provided, single submitter. Criteria: Myriad Autosomal Dominant, Autosomal Recessive and X-Linked Classification Criteria (2023). Collection method: clinical testing. Allele origin: unknown.
Comment: NM_005609.2(PYGM):c.1366G>A(V456M) is a missense variant classified as likely pathogenic in the context of glycogen storage disease, PYGM-related. V456M has been observed in cases with relevant disease (PMID: 25240406, 22250184, 17324573, 14568816, 18098237, 16786513). Relevant functional assessments of this variant are not available in the literature. V456M has been observed in referenced population frequency databases. In summary, NM_005609.2(PYGM):c.1366G>A(V456M) is a missense variant that has been observed more frequently in cases with the relevant disease than in healthy populations. Please note: this variant was assessed in the context of healthy population screening.

Dasa
Classification: Pathogenic. Last evaluated: 2025-12-02. Review status: criteria provided, single submitter. Criteria: DASA Assertion Criteria. Collection method: clinical testing. Allele origin: germline.
Comment: NM_005609.4(PYGM):c.1366G>A (p.Val456Met) is a missense variant that results in the substitution of valine with methionine. This variant has been recurrently observed in individuals with related phenotype (PMID: 17876739; PMID: 14568816; PMID: 29143597; PMID: 17705025). Multiple computational predictions support a deleterious effect on the gene or gene product. The variant is present at low frequency in population datasets. Based on the available data, this variant is classified as pathogenic.

Labcorp Genetics (formerly Invitae), Labcorp
Classification: Pathogenic for Glycogen storage disease, type V. Last evaluated: 2025-11-28. Review status: criteria provided, single submitter. Criteria: Invitae Variant Classification Sherloc (09022015). Collection method: clinical testing. Allele origin: germline.
Comment: This sequence change replaces valine, which is neutral and non-polar, with methionine, which is neutral and non-polar, at codon 456 of the PYGM protein (p.Val456Met). The frequency data for this variant in the population databases is considered unreliable, as metrics indicate poor data quality at this position in the gnomAD database. This missense change has been observed in individual(s) with glycogen storage disease, aka polyglucosan body myopathy (PMID: 14568816, 17324573, 17876739, 22250184, 29143597). ClinVar contains an entry for this variant (Variation ID: 95290). Invitae Evidence Modeling of protein sequence and biophysical properties (such as structural, functional, and spatial information, amino acid conservation, physicochemical variation, residue mobility, and thermodynamic stability) indicates that this missense variant is expected to disrupt PYGM protein function with a positive predictive value of 95%. For these reasons, this variant has been classified as Pathogenic.

Natera, Inc.
Classification: Likely pathogenic for Glycogen storage disease V. Last evaluated: 2025-07-22. Review status: criteria provided, single submitter. Criteria: Natera Variant Classification Schema (03/2026). Collection method: clinical testing. Allele origin: germline.
Comment: The c.1366G>A variant in PYGM is a missense variant predicted to cause substitution of valine to methionine at amino acid 456. This variant is rare in the general population with a frequency below the threshold expected for the associated phenotype(s). This variant has been observed in one or more individuals affected with the associated recessive disease, as either homozygous or compound heterozygous with a second variant (PMID: 35563042, 17324573, 25240406, 18098237). Computational prediction algorithms indicate this variant is likely to affect gene or protein function. Given the available evidence, this variant is classified as Likely Pathogenic.

3billion
Classification: Likely pathogenic for Glycogen storage disease, type V. Last evaluated: 2024-11-23. Review status: criteria provided, single submitter. Criteria: ACMG Guidelines, 2015. Collection method: clinical testing. Allele origin: germline. Affected: yes.
Comment: The variant is observed at an extremely low frequency in the gnomAD v4.1.0 dataset (total allele frequency: <0.001%). Predicted Consequence/Location: Missense variant. The majority of the known disease-causing variants of this gene are variants expected to result in premature termination of the protein. In silico tool predictions suggest damaging effect of the variant on gene or gene product [REVEL: 0.92 (>=0.6, sensitivity 0.68 and specificity 0.92); 3Cnet: 0.96 (>=0.6, sensitivity 0.72 and precision 0.9)]. The same nucleotide change resulting in the same amino acid change has been previously reported as pathogenic/likely pathogenic with strong evidence (ClinVar ID: VCV000095290 /PMID: 14568816). Therefore, this variant is classified as Likely pathogenic according to the recommendation of ACMG/AMP guideline.

Fulgent Genetics
Classification: Likely pathogenic for Glycogen storage disease, type V. Last evaluated: 2024-04-03. Review status: criteria provided, single submitter. Criteria: ACMG Guidelines, 2015. Collection method: clinical testing. Allele origin: germline.

Baylor Genetics
Classification: Pathogenic for Glycogen storage disease, type V. Last evaluated: 2024-02-26. Review status: criteria provided, single submitter. Criteria: ACMG Guidelines, 2015. Collection method: clinical testing. Allele origin: unknown.

Eurofins Ntd Llc (ga)
Classification: Pathogenic. Last evaluated: 2013-09-20. Review status: criteria provided, single submitter. Criteria: EGL Classification Definitions. Collection method: clinical testing. Allele origin: germline. Observed: 1 variant allele, 1 heterozygote.

Counsyl
Classification: Likely pathogenic for Glycogen storage disease, type V. Last evaluated: 2014-09-04. Review status: no assertion criteria provided. Collection method: literature only. Allele origin: unknown. Inheritance: Autosomal recessive inheritance. Not counted in ClinVar's aggregate classification.

Literature cited by the submitters: PubMed 14568816 (cited by 5 submitters); PubMed 16786513 (cited by Myriad Genetics, Inc. and Counsyl); PubMed 17324573 (cited by 4 submitters); PubMed 18098237 (cited by Myriad Genetics, Inc. and Natera, Inc.); PubMed 22250184 (cited by 3 submitters); PubMed 25240406 (cited by Myriad Genetics, Inc. and Natera, Inc.); PubMed 17876739 (cited by Dasa and Labcorp Genetics (formerly Invitae), Labcorp); PubMed 29143597 (cited by Dasa and Labcorp Genetics (formerly Invitae), Labcorp); PubMed 17705025 (cited by Dasa and Counsyl); PubMed 35563042 (cited by Natera, Inc.).